The following is an entry in ClinVar:

NM_000702.4(ATP1A2):c.630+6G>A

Genes: ATP1A2 (ATPase Na+/K+ transporting subunit alpha 2; plus strand), LOC126805890 (CDK7 strongly-dependent group 2 enhancer GRCh37_chr1:160093987-160095186; plus strand). Cytogenetic location: 1q23.2.
Variant type: single nucleotide variant.
Coding change: c.630+6G>A on transcript NM_000702.4 (MANE Select); 6 bases into the intron after coding-DNA position 630, G replaced by A.
Molecular consequence: intron variant.
Genome position (GRCh38, 1-based): chr1:160,124,436, G>A. VCF-style: chr1-160124436-G-A. GRCh37 (hg19) VCF-style: chr1-160094226-G-A.
Identifiers: ClinVar variation 3717745 (VCV003717745.2).

ClinVar aggregate classification (germline): Uncertain significance (1 of 4 stars; one submission).

Conditions:
Familial hemiplegic migraine. Identifiers: MedGen C0338484, MONDO:0000700.

gnomAD v4.1: 1 of 1,603,452 alleles (0.000062%); no homozygotes.

Submission:

Labcorp Genetics (formerly Invitae), Labcorp
Classification: Uncertain significance for Familial hemiplegic migraine. Last evaluated: 2024-09-17. Review status: criteria provided, single submitter. Criteria: Invitae Variant Classification Sherloc (09022015). Collection method: clinical testing. Allele origin: germline.
Comment: This sequence change falls in intron 6 of the ATP1A2 gene. It does not directly change the encoded amino acid sequence of the ATP1A2 protein. It affects a nucleotide within the consensus splice site. This variant is not present in population databases (gnomAD no frequency). This variant has not been reported in the literature in individuals affected with ATP1A2-related conditions. Variants that disrupt the consensus splice site are a relatively common cause of aberrant splicing (PMID: 17576681, 9536098). Algorithms developed to predict the effect of sequence changes on RNA splicing suggest that this variant is not likely to affect RNA splicing. In summary, the available evidence is currently insufficient to determine the role of this variant in disease. Therefore, it has been classified as a Variant of Uncertain Significance.

Literature cited by the submitters: PubMed 17576681; PubMed 9536098.